The following is an entry in ClinVar:

NM_002465.4(MYBPC1):c.2153G>A (p.Arg718His)

Gene: MYBPC1 (myosin binding protein C1; plus strand). Cytogenetic location: 12q23.2.
Variant type: single nucleotide variant.
Coding change: c.2153G>A on transcript NM_002465.4 (MANE Select); coding-DNA position 2153, G replaced by A.
Protein change: p.Arg718His; replaces arginine 718 with histidine.
Molecular consequence: missense variant.
Genome position (GRCh38, 1-based): chr12:101,662,478, G>A. VCF-style: chr12-101662478-G-A. GRCh37 (hg19) VCF-style: chr12-102056256-G-A.
Other names: c.2078G>A, p.Arg693His (NM_001254718.3, NM_001254719.3, NM_206820.4 and 1 more transcripts); c.2042G>A, p.Arg681His (NM_001254720.3); c.2021G>A, p.Arg674His (NM_001254721.3, NM_001404676.1, NM_001404678.1); c.2000G>A, p.Arg667His (NM_001254722.3, NM_001404680.1); c.2039G>A, p.Arg680His (NM_001254723.3); c.2153G>A, p.Arg718His (NM_001404675.1, NM_206819.4); c.1943G>A, p.Arg648His (NM_001404677.1, NM_001404679.1, NM_001404681.1); c.2153G>A (NM_002465.2); short protein forms R681H, R667H, R674H, R693H, R680H, R718H, R648H.
Identifiers: ClinVar variation 880935 (VCV000880935.9), dbSNP rs556762061, ClinGen allele CA6744979.

ClinVar aggregate classification (germline): Uncertain significance. Review status: criteria provided, multiple submitters, no conflicts (2 of 4 stars). 4 submissions from 4 submitters: Uncertain significance (3). 1 of the submissions does not count toward it. Last evaluated 2025-09-28.

Conditions:
Inborn genetic diseases. Identifiers: MedGen C0950123, MeSH D030342.
Arthrogryposis, distal, type 1B. Identifiers: Orphanet 1146, MedGen C3280526, MONDO:0013698, OMIM 614335.
MYBPC1-related disorder. Also called: MYBPC1-related condition.

Allele frequency attached by ClinVar (database versions not stated): TOPMed 0.00005.
gnomAD v4.1: 63 of 1,614,080 alleles (0.0039%); highest among the groups gnomAD compares: Non-Finnish European, 0.0051%; no homozygotes.

Submissions (4):

Ambry Genetics
Classification: Uncertain significance for Inborn genetic diseases. Last evaluated: 2025-09-28. Review status: criteria provided, single submitter. Criteria: Ambry Variant Classification Scheme 2023. Collection method: clinical testing. Allele origin: germline.

Revvity Omics, Revvity
Classification: Uncertain significance. Last evaluated: 2024-08-20. Review status: criteria provided, single submitter. Criteria: ACMG Guidelines, 2015. Collection method: clinical testing. Allele origin: germline.

Illumina Laboratory Services, Illumina
Classification: Uncertain significance for Arthrogryposis, distal, type 1B. Last evaluated: 2018-01-13. Review status: criteria provided, single submitter. Criteria: ICSL Variant Classification Criteria 13 December 2019. Collection method: clinical testing. Allele origin: germline.

PreventionGenetics, part of Exact Sciences
Classification: Uncertain significance for MYBPC1-related condition. Last evaluated: 2024-07-10. Review status: no assertion criteria provided. Collection method: clinical testing. Allele origin: germline. Not counted in ClinVar's aggregate classification.
Comment: The MYBPC1 c.2153G>A variant is predicted to result in the amino acid substitution p.Arg718His. To our knowledge, this variant has not been reported in the literature. This variant is reported in 0.0054% of alleles in individuals of European (non-Finnish) descent in gnomAD. At this time, the clinical significance of this variant is uncertain due to the absence of conclusive functional and genetic evidence.